The following is an entry in ClinVar:

ClinVar aggregate classification (germline): Likely benign (1 of 4 stars; one submission).

Allele frequency attached by ClinVar (database versions not stated): gnomAD exomes 0.00001; ExAC 0.00002.

Submission:

CeGaT Center for Human Genetics Tuebingen
Classification: Likely benign. Last evaluated: 2022-07-01. Review status: criteria provided, single submitter. Criteria: CeGaT Center For Human Genetics Tuebingen Variant Classification Criteria Version 2. Collection method: clinical testing. Allele origin: germline. Affected: yes. Observed: 1 variant allele.
Comment: ABCC9: BP4, BP7

NM_020297.4(ABCC9):c.1578A>G (p.Leu526=)

Gene: ABCC9 (ATP binding cassette subfamily C member 9; minus strand). Cytogenetic location: 12p12.1.
Variant type: single nucleotide variant.
Coding change: c.1578A>G on transcript NM_020297.4 (MANE Select); coding-DNA position 1578, A replaced by G.
Protein change: p.Leu526=; no amino-acid change (leucine 526 retained).
Molecular consequence: synonymous variant.
Genome position (GRCh38, 1-based): chr12:21,906,166, T>C on the plus strand (A>G on the coding strand, the complement: ABCC9 is on the minus strand). VCF-style: chr12-21906166-T-C. GRCh37 (hg19) VCF-style: chr12-22059100-T-C.
Other names: c.1578A>G, p.Leu526= (NM_001377273.1, NM_005691.4); c.714A>G, p.Leu238= (NM_001377274.1).
Identifiers: ClinVar variation 1701190 (VCV001701190.31), dbSNP rs748429545, ClinGen allele CA6481644.